The following is an entry in ClinVar:

ClinVar aggregate classification (germline): Conflicting classifications of pathogenicity. Review status: criteria provided, conflicting classifications (1 of 4 stars). 5 submissions from 5 submitters: Uncertain significance (4); Likely benign (1). Last evaluated 2026-01-27.

Conditions:
Catecholaminergic polymorphic ventricular tachycardia (CVPT). Also called: Catecholamine-induced polymorphic ventricular tachycardia. Identifiers: Orphanet 3286, MedGen C5574922, MONDO:0017990.
Catecholaminergic polymorphic ventricular tachycardia 1. Also called: VENTRICULAR TACHYCARDIA, CATECHOLAMINERGIC POLYMORPHIC, 1, WITH OR WITHOUT ATRIAL DYSFUNCTION AND/OR DILATED CARDIOMYOPATHY; VENTRICULAR TACHYCARDIA, STRESS-INDUCED POLYMORPHIC 1; RYR2-Related Catecholaminergic Polymorphic Ventricular Tachycardia. Identifiers: Orphanet 3286, MedGen C1631597, MONDO:0011484, OMIM 604772.
Cardiomyopathy (CMYO). Also called: Cardiomyopathies. Identifiers: Orphanet 167848, MedGen C0878544, MONDO:0004994, HP:0001638. Inheritance: Various modes of inheritance.
Cardiovascular phenotype. Identifiers: MedGen CN230736.

Allele frequency attached by ClinVar (database versions not stated): ExAC 0.00004; gnomAD 0.00006 and 0.00008; TOPMed 0.00010; 1000 Genomes Project 30x 0.00031; 1000 Genomes Project 0.00040.
gnomAD v4.1: 25 of 1,588,984 alleles (0.0016%); highest among the groups gnomAD compares: African/African-American, 0.027%; 1 homozygote.

Submissions (5):

Labcorp Genetics (formerly Invitae), Labcorp
Classification: Likely benign for Catecholaminergic polymorphic ventricular tachycardia 1. Last evaluated: 2026-01-27. Review status: criteria provided, single submitter. Criteria: Invitae Variant Classification Sherloc (09022015). Collection method: clinical testing. Allele origin: germline.

Ambry Genetics
Classification: Uncertain significance for Cardiovascular phenotype. Last evaluated: 2025-06-25. Review status: criteria provided, single submitter. Criteria: Ambry Variant Classification Scheme 2023. Collection method: clinical testing. Allele origin: germline.
Comment: The p.S2750T variant (also known as c.8248T>A), located in coding exon 55 of the RYR2 gene, results from a T to A substitution at nucleotide position 8248. The serine at codon 2750 is replaced by threonine, an amino acid with similar properties. This amino acid position is well conserved in available vertebrate species. In addition, this alteration is predicted to be tolerated by in silico analysis. Based on the available evidence, the clinical significance of this variant remains unclear.

GeneDx
Classification: Uncertain significance. Last evaluated: 2025-01-13. Review status: criteria provided, single submitter. Criteria: GeneDx Variant Classification Process June 2021. Collection method: clinical testing. Allele origin: germline. Affected: yes.
Comment: In silico analysis indicates that this missense variant does not alter protein structure/function; Has not been previously published as pathogenic or benign to our knowledge; Not located in one of the three hot-spot regions of the RYR2 gene, where the majority of pathogenic missense variants occur (PMID: 19926015); This variant is associated with the following publications: (PMID: 19926015)

All of Us Research Program, National Institutes of Health
Classification: Uncertain significance for Catecholaminergic polymorphic ventricular tachycardia. Last evaluated: 2024-08-13. Review status: criteria provided, single submitter. Criteria: ACMG Guidelines, 2015. Collection method: clinical testing. Allele origin: germline. Inheritance: Autosomal dominant inheritance. Observed: 8 variant alleles, 8 heterozygotes.
Comment: This missense variant replaces serine with threonine at codon 2750 of the RYR2 protein. Computational prediction suggests that this variant may not impact protein structure and function (internally defined REVEL score threshold <= 0.5, PMID: 27666373). To our knowledge, functional studies have not been reported for this variant. This variant has not been reported in individuals affected with cardiovascular disorders in the literature. This variant has been identified in 7/259400 chromosomes in the general population by the Genome Aggregation Database (gnomAD). The available evidence is insufficient to determine the role of this variant in disease conclusively. Therefore, this variant is classified as a Variant of Uncertain Significance.

This study involves interpretation of variants in research participants for the purpose of population health screening. Participant phenotype was not available at the time of variant classification. Additional details can be found in publication PMID: 35346344, PMCID: PMC8962531

Color Diagnostics, LLC DBA Color Health
Classification: Uncertain significance for Cardiomyopathy. Last evaluated: 2024-07-17. Review status: criteria provided, single submitter. Criteria: ACMG Guidelines, 2015. Collection method: clinical testing. Allele origin: germline.
Comment: This missense variant replaces serine with threonine at codon 2750 of the RYR2 protein. Computational prediction suggests that this variant may not impact protein structure and function. To our knowledge, functional studies have not been reported for this variant. This variant has not been reported in individuals affected with cardiovascular disorders in the literature. This variant has been identified in 7/259400 chromosomes in the general population by the Genome Aggregation Database (gnomAD). The available evidence is insufficient to determine the role of this variant in disease conclusively. Therefore, this variant is classified as a Variant of Uncertain Significance.

NM_001035.3(RYR2):c.8248T>A (p.Ser2750Thr)

Gene: RYR2 (ryanodine receptor 2; plus strand). Cytogenetic location: 1q43.
Variant type: single nucleotide variant.
Coding change: c.8248T>A on transcript NM_001035.3 (MANE Select); coding-DNA position 8248, T replaced by A.
Protein change: p.Ser2750Thr; replaces serine 2750 with threonine.
Molecular consequence: missense variant.
Genome position (GRCh38, 1-based): chr1:237,660,024, T>A. VCF-style: chr1-237660024-T-A. GRCh37 (hg19) VCF-style: chr1-237823324-T-A.
Other names: c.8248T>A (NM_001035.2); short protein forms S2750T.
Identifiers: ClinVar variation 927704 (VCV000927704.14), dbSNP rs547987180, ClinGen allele CA087592.